The following is an entry in ClinVar:

NM_006031.6(PCNT):c.3429G>C (p.Met1143Ile)

Gene: PCNT (pericentrin; plus strand). Cytogenetic location: 21q22.3.
Variant type: single nucleotide variant.
Coding change: c.3429G>C on transcript NM_006031.6 (MANE Select); coding-DNA position 3429, G replaced by C.
Protein change: p.Met1143Ile; replaces methionine 1143 with isoleucine.
Molecular consequence: missense variant.
Genome position (GRCh38, 1-based): chr21:46,385,948, G>C. VCF-style: chr21-46385948-G-C. GRCh37 (hg19) VCF-style: chr21-47805863-G-C.
Other names: c.3075G>C, p.Met1025Ile (NM_001315529.2); short protein forms M1025I, M1143I.
Identifiers: ClinVar variation 4998147 (VCV004998147.1).

ClinVar aggregate classification (germline): Uncertain significance (1 of 4 stars; one submission).

Conditions:
PCNT-related disorder. Also called: PCNT-related condition.

Submission:

PreventionGenetics, part of Exact Sciences
Classification: Uncertain significance for PCNT-related condition. Last evaluated: 2025-01-27. Review status: criteria provided, single submitter. Criteria: ACMG Guidelines, 2015. Collection method: clinical testing. Allele origin: germline.
Comment: The PCNT c.3429G>C variant is predicted to result in the amino acid substitution p.Met1143Ile. To our knowledge, this variant has not been reported in the literature or in a large population database (gnomAD), indicating this variant is rare. At this time, the clinical significance of this variant is uncertain due to the absence of conclusive functional and genetic evidence.